The following is an entry in ClinVar:

ClinVar aggregate classification (germline): Likely pathogenic (1 of 4 stars; one submission).

Conditions:
X-linked Alport syndrome (ATS1). Also called: NEPHROPATHY AND DEAFNESS, X-LINKED; COL4A5-Related Nephropathy. Identifiers: Orphanet 63, Orphanet 88917, MedGen C4746986, MONDO:0010520, OMIM 301050.

Submission:

MVZ Medizinische Genetik Mainz
Classification: Likely pathogenic for X-linked Alport syndrome. Last evaluated: 2025-11-19. Review status: criteria provided, single submitter. Criteria: UK Practice Guidelines For Variant Classification V4 01 2020. Collection method: clinical testing. Allele origin: germline. Inheritance: X-linked dominant inheritance. Affected: yes. Observed: 1 variant allele.
Comment: ACMG Criteria: PVS1,PM2_SUP

NM_033380.3(COL4A5):c.858del (p.Glu287fs)

Gene: COL4A5 (collagen type IV alpha 5 chain; plus strand). Cytogenetic location: Xq22.3.
Variant type: Deletion.
Coding change: c.858del on transcript NM_033380.3 (MANE Select); coding-DNA position 858, one base deleted (T; older notation c.858delT).
Protein change: p.Glu287fs; shifts the reading frame from glutamic acid 287.
Molecular consequence: frameshift variant.
Genome position (GRCh38, 1-based): chrX:108,580,705, T deleted. VCF-style (leftmost placement, unchanged base first): chrX-108580704-GT-G. GRCh37 (hg19) VCF-style: chrX-107823934-GT-G.
Other names: c.858del, p.Glu287fs (NM_000495.5); short protein forms E287fs.
Identifiers: ClinVar variation 4540428 (VCV004540428.1).